The following is an entry in ClinVar:

ClinVar aggregate classification (germline): Uncertain significance (1 of 4 stars; one submission).

Conditions:
Autosomal recessive ataxia, Beauce type. Also called: ATAXIA, RECESSIVE, OF BEAUCE; Spinocerebellar ataxia, autosomal recessive 8; SYNE1-Related Autosomal Recessive Cerebellar Ataxia; SYNE1 Deficiency. Identifiers: Orphanet 88644, MedGen C1853116, MONDO:0012549, OMIM 610743.
Emery-Dreifuss muscular dystrophy 4, autosomal dominant (EDMD4). Also called: EMERY-DREIFUSS MUSCULAR DYSTROPHY 4 WITH VARIABLE FEATURES. Identifiers: Orphanet 261, MedGen C2751807, MONDO:0013071, OMIM 612998.

Allele frequency attached by ClinVar (database versions not stated): TOPMed below 0.00001; ExAC 0.00001; gnomAD exomes 0.00001 and 0.00002.
gnomAD v4.1: 32 of 1,614,122 alleles (0.002%); highest among the groups gnomAD compares: Non-Finnish European, 0.0026%; no homozygotes.

Submission:

Labcorp Genetics (formerly Invitae), Labcorp
Classification: Uncertain significance for Emery-Dreifuss muscular dystrophy 4, autosomal dominant; Autosomal recessive ataxia, Beauce type. Last evaluated: 2021-08-31. Review status: criteria provided, single submitter. Criteria: Invitae Variant Classification Sherloc (09022015). Collection method: clinical testing. Allele origin: germline.
Comment: This sequence change replaces aspartic acid with asparagine at codon 4643 of the SYNE1 protein (p.Asp4643Asn). The aspartic acid residue is moderately conserved and there is a small physicochemical difference between aspartic acid and asparagine. This variant is present in population databases (rs765759628, ExAC 0.002%). This variant has not been reported in the literature in individuals affected with SYNE1-related conditions. Algorithms developed to predict the effect of missense changes on protein structure and function output the following: SIFT: "Deleterious"; PolyPhen-2: "Benign"; Align-GVGD: "Class C0". The asparagine amino acid residue is found in multiple mammalian species, which suggests that this missense change does not adversely affect protein function. In summary, the available evidence is currently insufficient to determine the role of this variant in disease. Therefore, it has been classified as a Variant of Uncertain Significance.

NM_182961.4(SYNE1):c.14140G>A (p.Asp4714Asn)

Gene: SYNE1 (spectrin repeat containing nuclear envelope protein 1; minus strand). Cytogenetic location: 6q25.2.
Variant type: single nucleotide variant.
Coding change: c.14140G>A on transcript NM_182961.4 (MANE Select); coding-DNA position 14140, G replaced by A.
Protein change: p.Asp4714Asn; replaces aspartic acid 4714 with asparagine.
Molecular consequence: missense variant.
Genome position (GRCh38, 1-based): chr6:152,330,545, C>T on the plus strand (G>A on the coding strand, the complement: SYNE1 is on the minus strand). VCF-style: chr6-152330545-C-T. GRCh37 (hg19) VCF-style: chr6-152651680-C-T.
Other names: c.13927G>A, p.Asp4643Asn (NM_033071.5); short protein forms D4643N, D4714N.
Identifiers: ClinVar variation 1018092 (VCV001018092.6), dbSNP rs765759628, ClinGen allele CA4056063.